The following is an entry in ClinVar:

ClinVar aggregate classification (germline): Conflicting classifications of pathogenicity. Review status: criteria provided, conflicting classifications (1 of 4 stars). 4 submissions from 4 submitters: Uncertain significance (2); Likely benign (1). 1 of the submissions does not count toward it. Last evaluated 2024-07-04.

Conditions:
CDHR1-related disorder. Also called: CDHR1-related condition.
Cone-rod dystrophy 15 (CORD15). Identifiers: MedGen C3150912, MONDO:0013348, OMIM 613660.

Allele frequency attached by ClinVar (database versions not stated): gnomAD exomes 0.00009; ExAC 0.00010; ESP Exome Variant Server 0.00023; TOPMed 0.00040; gnomAD 0.00042 and 0.00044.
gnomAD v4.1: 132 of 1,613,424 alleles (0.0082%); highest among the groups gnomAD compares: African/African-American, 0.15%; no homozygotes.

Submissions (4):

Blueprint Genetics
Classification: Likely benign. Last evaluated: 2024-07-04. Review status: criteria provided, single submitter. Criteria: ACMG Guidelines, 2015. Collection method: clinical testing. Allele origin: germline.

Labcorp Genetics (formerly Invitae), Labcorp
Classification: Uncertain significance. Last evaluated: 2024-01-23. Review status: criteria provided, single submitter. Criteria: Invitae Variant Classification Sherloc (09022015). Collection method: clinical testing. Allele origin: germline.
Comment: This sequence change falls in intron 12 of the CDHR1 gene. It does not directly change the encoded amino acid sequence of the CDHR1 protein. It affects a nucleotide within the consensus splice site. This variant is present in population databases (rs370677921, gnomAD 0.1%). This variant has not been reported in the literature in individuals affected with CDHR1-related conditions. ClinVar contains an entry for this variant (Variation ID: 1010713). Variants that disrupt the consensus splice site are a relatively common cause of aberrant splicing (PMID: 17576681, 9536098). Algorithms developed to predict the effect of sequence changes on RNA splicing suggest that this variant is not likely to affect RNA splicing. In summary, the available evidence is currently insufficient to determine the role of this variant in disease. Therefore, it has been classified as a Variant of Uncertain Significance.

Laboratorio de Genetica e Diagnostico Molecular, Hospital Israelita Albert Einstein
Classification: Uncertain significance for Cone-rod dystrophy 15. Last evaluated: 2022-12-02. Review status: criteria provided, single submitter. Criteria: ACMG Guidelines, 2015. Collection method: clinical testing. Allele origin: germline. Affected: yes. Observed: 1 variant allele.
Comment: ACMG classification criteria: PM2 supporting

PreventionGenetics, part of Exact Sciences
Classification: Likely benign for CDHR1-related condition. Last evaluated: 2019-09-18. Review status: no assertion criteria provided. Collection method: clinical testing. Allele origin: germline. Not counted in ClinVar's aggregate classification.
Comment: This variant is classified as likely benign based on ACMG/AMP sequence variant interpretation guidelines (Richards et al. 2015 PMID: 25741868, with internal and published modifications).

Literature cited by the submitters: PubMed 17576681 (cited by Labcorp Genetics (formerly Invitae), Labcorp); PubMed 9536098 (cited by Labcorp Genetics (formerly Invitae), Labcorp).

NM_033100.4(CDHR1):c.1320+4G>C

Gene: CDHR1 (cadherin related family member 1; plus strand). Cytogenetic location: 10q23.1.
Variant type: single nucleotide variant.
Coding change: c.1320+4G>C on transcript NM_033100.4 (MANE Select); 4 bases into the intron after coding-DNA position 1320, G replaced by C.
Molecular consequence: intron variant.
Genome position (GRCh38, 1-based): chr10:84,208,885, G>C. VCF-style: chr10-84208885-G-C. GRCh37 (hg19) VCF-style: chr10-85968641-G-C.
Other names: c.1320+4G>C (NM_033100.3, NM_001171971.3).
Identifiers: ClinVar variation 1010713 (VCV001010713.11), dbSNP rs370677921, ClinGen allele CA5579892.
Genomic context (GRCh38, chr10:84,208,885, plus strand): 5'-ATTGTGGAGAACTCAGCTGCCATTGACTTTGAAAAGTCCAAAGTATTAACCTTCAAGGTA[G>C]GTGGTGCCCTGAATTCACTGCCCTGAATGGGAGGGTCCCAGGAATTCATACCAGCATCTT-3'